The following is an entry in ClinVar:

NM_005591.4(MRE11):c.2026T>G (p.Ser676Ala)

Gene: MRE11 (MRE11 double strand break repair nuclease; minus strand). Cytogenetic location: 11q21.
Variant type: single nucleotide variant.
Coding change: c.2026T>G on transcript NM_005591.4 (MANE Select); coding-DNA position 2026, T replaced by G.
Protein change: p.Ser676Ala; replaces serine 676 with alanine.
Molecular consequence: missense variant.
Genome position (GRCh38, 1-based): chr11:94,429,955, A>C on the plus strand (T>G on the coding strand, the complement: MRE11 is on the minus strand). VCF-style: chr11-94429955-A-C. GRCh37 (hg19) VCF-style: chr11-94163121-A-C.
Other names: c.2023T>G, p.Ser675Ala (NM_001330347.2); c.1942T>G, p.Ser648Ala (NM_005590.4); short protein forms S648A, S675A, S676A.
Identifiers: ClinVar variation 1016563 (VCV001016563.8), dbSNP rs1945419889, ClinGen allele CA382373518.

ClinVar aggregate classification (germline): Uncertain significance (1 of 4 stars; one submission).

Conditions:
Ataxia-telangiectasia-like disorder (ATLD). Identifiers: MedGen C1858391, MONDO:0011457.

Submission:

Labcorp Genetics (formerly Invitae), Labcorp
Classification: Uncertain significance for Ataxia-telangiectasia-like disorder. Last evaluated: 2020-07-08. Review status: criteria provided, single submitter. Criteria: Invitae Variant Classification Sherloc (09022015). Collection method: clinical testing. Allele origin: germline.
Comment: This variant has not been reported in the literature in individuals with MRE11-related conditions. This sequence change replaces serine with alanine at codon 676 of the MRE11 protein (p.Ser676Ala). The serine residue is moderately conserved and there is a moderate physicochemical difference between serine and alanine. This variant is not present in population databases (ExAC no frequency). Algorithms developed to predict the effect of missense changes on protein structure and function (SIFT, PolyPhen-2, Align-GVGD) all suggest that this variant is likely to be tolerated, but these predictions have not been confirmed by published functional studies and their clinical significance is uncertain. In summary, the available evidence is currently insufficient to determine the role of this variant in disease. Therefore, it has been classified as a Variant of Uncertain Significance.